The following is an entry in ClinVar:

NM_000458.4(HNF1B):c.1047_1206+1del

Gene: HNF1B (HNF1 homeobox B; minus strand). Cytogenetic location: 17q12.
Variant type: Deletion.
Coding change: c.1047_1206+1del on transcript NM_000458.4 (MANE Select); coding-DNA position 1047 through the canonical splice donor site of the intron after coding-DNA position 1206, 161 bases deleted.
Molecular consequence: splice acceptor variant, splice donor variant.
Genome position (GRCh38, 1-based): chr17:37,710,502-37,710,662, 161 bases deleted. GRCh37 (hg19): chr17:36,070,512-36,070,672.
Other names: c.969_1128+1del (NM_001304286.2, NM_001165923.4).
Identifiers: ClinVar variation 635598 (VCV000635598.1), dbSNP rs2511723229, ClinGen allele CA913190755.

ClinVar aggregate classification (germline): Pathogenic (1 of 4 stars; one submission).

Conditions:
Renal cysts and diabetes syndrome (RCAD). Also called: Familial hypoplastic, glomerulocystic kidney; MATURITY-ONSET DIABETES OF THE YOUNG, TYPE 5. Identifiers: Orphanet 93111, MedGen C0431693, MONDO:0007669, OMIM 137920.

Submission:

Institute of Human Genetics, FAU Erlangen, Friedrich-Alexander-Universität Erlangen-Nürnberg
Classification: Pathogenic for Renal cysts and diabetes syndrome. Last evaluated: 2019-07-06. Review status: criteria provided, single submitter. Criteria: ACMG Guidelines, 2015. Collection method: literature only. Allele origin: germline. Affected: yes.
Comment: This variant and it's classification has been reported by Vasileiou et al. 2019; DOI:10.1101/576918. The variants has previously been reported in PMID:25536396 as "c.1118-?_1045+?del Exon5" with clinical significance Pathogenic. It has been re-classified using InterVar and manual curation as Pathogenic based on PVS1 PM2 PP3.

Literature cited by the submitters: PubMed 25536396; DOI 10.1101/576918.